The following is an entry in ClinVar:

ClinVar aggregate classification (germline): Uncertain significance (1 of 4 stars; one submission).

Conditions:
Cardiovascular phenotype. Identifiers: MedGen CN230736.

Allele frequency attached by ClinVar (database versions not stated): gnomAD 0.00001; gnomAD exomes 0.00001.
gnomAD v4.1: 9 of 1,614,128 alleles (0.00056%); highest among the groups gnomAD compares: Non-Finnish European, 0.00076%; no homozygotes.

Submission:

Ambry Genetics
Classification: Uncertain significance for Cardiovascular phenotype. Last evaluated: 2023-07-07. Review status: criteria provided, single submitter. Criteria: Ambry Variant Classification Scheme 2023. Collection method: clinical testing. Allele origin: germline.
Comment: The p.S705N variant (also known as c.2114G>A), located in coding exon 5 of the ALPK3 gene, results from a G to A substitution at nucleotide position 2114. The serine at codon 705 is replaced by asparagine, an amino acid with highly similar properties. This amino acid position is not well conserved in available vertebrate species, and asparagine is the reference amino acid in other vertebrate species. In addition, this alteration is predicted to be tolerated by in silico analysis. Since supporting evidence is limited at this time, the clinical significance of this alteration remains unclear.

NM_020778.5(ALPK3):c.1508G>A (p.Ser503Asn)

Genes: ALPK3 (alpha kinase 3; plus strand), LOC111718493 (skeletal muscle cis-regulatory module overlapping ALPK3; plus strand). Cytogenetic location: 15q25.3.
Variant type: single nucleotide variant.
Coding change: c.1508G>A on transcript NM_020778.5 (MANE Select); coding-DNA position 1508, G replaced by A.
Protein change: p.Ser503Asn; replaces serine 503 with asparagine.
Molecular consequence: missense variant.
Genome position (GRCh38, 1-based): chr15:84,840,787, G>A. VCF-style: chr15-84840787-G-A. GRCh37 (hg19) VCF-style: chr15-85384018-G-A.
Other names: short protein forms S503N.
Identifiers: ClinVar variation 1786157 (VCV001786157.3), dbSNP rs1963654483, ClinGen allele CA393375772.